The following is an entry in ClinVar:

NM_001128840.3(CACNA1D):c.1537C>T (p.Arg513Cys)

Gene: CACNA1D (calcium voltage-gated channel subunit alpha1 D; plus strand). Cytogenetic location: 3p21.1.
Variant type: single nucleotide variant.
Coding change: c.1537C>T on transcript NM_001128840.3 (MANE Select); coding-DNA position 1537, C replaced by T.
Protein change: p.Arg513Cys; replaces arginine 513 with cysteine.
Molecular consequence: missense variant.
Genome position (GRCh38, 1-based): chr3:53,722,345, C>T. VCF-style: chr3-53722345-C-T. GRCh37 (hg19) VCF-style: chr3-53756372-C-T.
Other names: c.1597C>T, p.Arg533Cys (NM_000720.4); c.1537C>T, p.Arg513Cys (NM_001128839.3); short protein forms R513C, R533C.
Identifiers: ClinVar variation 3664657 (VCV003664657.2).

ClinVar aggregate classification (germline): Uncertain significance (1 of 4 stars; one submission).

gnomAD v4.1: 4 of 1,614,204 alleles (0.00025%); highest among the groups gnomAD compares: Non-Finnish European, 0.00017%; no homozygotes.

Submission:

Labcorp Genetics (formerly Invitae), Labcorp
Classification: Uncertain significance. Last evaluated: 2025-01-19. Review status: criteria provided, single submitter. Criteria: Invitae Variant Classification Sherloc (09022015). Collection method: clinical testing. Allele origin: germline.
Comment: This sequence change replaces arginine, which is basic and polar, with cysteine, which is neutral and slightly polar, at codon 533 of the CACNA1D protein (p.Arg533Cys). This variant is present in population databases (rs751711138, gnomAD 0.009%). This variant has not been reported in the literature in individuals affected with CACNA1D-related conditions. Invitae Evidence Modeling of protein sequence and biophysical properties (such as structural, functional, and spatial information, amino acid conservation, physicochemical variation, residue mobility, and thermodynamic stability) indicates that this missense variant is expected to disrupt CACNA1D protein function with a positive predictive value of 80%. In summary, the available evidence is currently insufficient to determine the role of this variant in disease. Therefore, it has been classified as a Variant of Uncertain Significance.